The following is an entry in ClinVar:

ClinVar aggregate classification (germline): Likely benign. Review status: criteria provided, multiple submitters, no conflicts (2 of 4 stars). 3 submissions from 3 submitters: Likely benign (3). Last evaluated 2025-09-01.

Conditions:
Cardiovascular phenotype. Identifiers: MedGen CN230736.
Dilated cardiomyopathy 1DD (CMD1DD). Identifiers: Orphanet 154, MedGen C2750995, MONDO:0013168, OMIM 613172.

Allele frequency attached by ClinVar (database versions not stated): gnomAD exomes 0.00002 and 0.00004; TOPMed 0.00002; gnomAD 0.00003 and 0.00004.
gnomAD v4.1: 38 of 1,551,674 alleles (0.0024%); highest among the groups gnomAD compares: Middle Eastern, 0.017%; no homozygotes.

Submissions (3):

Labcorp Genetics (formerly Invitae), Labcorp
Classification: Likely benign for Dilated cardiomyopathy 1DD. Last evaluated: 2025-09-01. Review status: criteria provided, single submitter. Criteria: Invitae Variant Classification Sherloc (09022015). Collection method: clinical testing. Allele origin: germline.

Ambry Genetics
Classification: Likely benign for Cardiovascular phenotype. Last evaluated: 2025-04-24. Review status: criteria provided, single submitter. Criteria: Ambry Variant Classification Scheme 2023. Collection method: clinical testing. Allele origin: germline.

CeGaT Center for Human Genetics Tuebingen
Classification: Likely benign. Last evaluated: 2024-04-01. Review status: criteria provided, single submitter. Criteria: CeGaT Center For Human Genetics Tuebingen Variant Classification Criteria Version 2. Collection method: clinical testing. Allele origin: germline. Affected: yes. Observed: 1 variant allele.
Comment: RBM20: BP4, BP7

NM_001134363.3(RBM20):c.1128C>T (p.Ile376=)

Gene: RBM20 (RNA binding motif protein 20; plus strand). Cytogenetic location: 10q25.2.
Variant type: single nucleotide variant.
Coding change: c.1128C>T on transcript NM_001134363.3 (MANE Select); coding-DNA position 1128, C replaced by T.
Protein change: p.Ile376=; no amino-acid change (isoleucine 376 retained).
Molecular consequence: synonymous variant.
Genome position (GRCh38, 1-based): chr10:110,781,737, C>T. VCF-style: chr10-110781737-C-T. GRCh37 (hg19) VCF-style: chr10-112541495-C-T.
Other names: c.1128C>T (NM_001134363.1).
Identifiers: ClinVar variation 696192 (VCV000696192.30), dbSNP rs996751865, ClinGen allele CA471364915.